The following is an entry in ClinVar:

ClinVar aggregate classification (germline): Uncertain significance. Review status: criteria provided, multiple submitters, no conflicts (2 of 4 stars). 2 submissions from 2 submitters: Uncertain significance (2). Last evaluated 2023-11-20.

Conditions:
Ataxia-telangiectasia syndrome (AT). Also called: LOUIS-BAR SYNDROME; Cerebello-oculocutaneous telangiectasia; Immunodeficiency with ataxia telangiectasia; Ataxia telangiectasia (A-T); Ataxia-telangiectasia, complementation group D; AT, COMPLEMENTATION GROUP C. Identifiers: Orphanet 100, MedGen C0004135, MONDO:0008840, OMIM 208900.

Submissions (2):

GeneDx
Classification: Uncertain significance. Last evaluated: 2023-11-20. Review status: criteria provided, single submitter. Criteria: GeneDx Variant Classification Process June 2021. Collection method: clinical testing. Allele origin: germline. Affected: yes.
Comment: Not observed at significant frequency in large population cohorts (gnomAD); In silico analysis supports that this missense variant has a deleterious effect on protein structure/function; Has not been previously published as pathogenic or benign to our knowledge; This variant is associated with the following publications: (PMID: 23532176)

Labcorp Genetics (formerly Invitae), Labcorp
Classification: Uncertain significance for Ataxia-telangiectasia syndrome. Last evaluated: 2023-05-31. Review status: criteria provided, single submitter. Criteria: Invitae Variant Classification Sherloc (09022015). Collection method: clinical testing. Allele origin: germline.
Comment: This sequence change replaces tyrosine, which is neutral and polar, with serine, which is neutral and polar, at codon 2019 of the ATM protein (p.Tyr2019Ser). This variant is not present in population databases (gnomAD no frequency). This variant has not been reported in the literature in individuals affected with ATM-related conditions. ClinVar contains an entry for this variant (Variation ID: 1479672). An algorithm developed to predict the effect of missense changes on protein structure and function (PolyPhen-2) suggests that this variant is likely to be disruptive. In summary, the available evidence is currently insufficient to determine the role of this variant in disease. Therefore, it has been classified as a Variant of Uncertain Significance.

NM_000051.4(ATM):c.6056A>C (p.Tyr2019Ser)

Genes: ATM (ATM serine/threonine kinase; plus strand), C11orf65 (chromosome 11 open reading frame 65; minus strand). Cytogenetic location: 11q22.3.
Variant type: single nucleotide variant.
Coding change: c.6056A>C on transcript NM_000051.4 (MANE Select); coding-DNA position 6056, A replaced by C.
Protein change: p.Tyr2019Ser; replaces tyrosine 2019 with serine.
Molecular consequence: missense variant. On other transcripts: intron variant (2).
Genome position (GRCh38, 1-based): chr11:108,315,872, A>C. VCF-style: chr11-108315872-A-C. GRCh37 (hg19) VCF-style: chr11-108186599-A-C.
Other names: c.6056A>C, p.Tyr2019Ser (NM_001351834.2); c.641-6801T>G (NM_001330368.2); c.*39-6801T>G (NM_001351110.2); short protein forms Y2019S.
Identifiers: ClinVar variation 1479672 (VCV001479672.9), dbSNP rs876658415, ClinGen allele CA382550013.